The following is an entry in ClinVar:

ClinVar aggregate classification (germline): Likely benign. Review status: criteria provided, multiple submitters, no conflicts (2 of 4 stars). 3 submissions from 3 submitters: Likely benign (2). 1 of the submissions does not count toward it. Last evaluated 2025-03-25.

Conditions:
PKD1L1-related disorder. Also called: PKD1L1-related condition.

Allele frequency attached by ClinVar (database versions not stated): gnomAD exomes 0.00003; ExAC 0.00009; ESP Exome Variant Server 0.00015; gnomAD 0.00015; TOPMed 0.00017.
gnomAD v4.1: 74 of 1,598,832 alleles (0.0046%); highest among the groups gnomAD compares: African/African-American, 0.044%; no homozygotes.

Submissions (3):

Labcorp Genetics (formerly Invitae), Labcorp
Classification: Likely benign. Last evaluated: 2025-03-25. Review status: criteria provided, single submitter. Criteria: Invitae Variant Classification Sherloc (09022015). Collection method: clinical testing. Allele origin: germline.

Blueprint Genetics
Classification: Likely benign. Last evaluated: 2019-12-12. Review status: criteria provided, single submitter. Criteria: ACMG Guidelines, 2015. Collection method: clinical testing. Allele origin: germline.

PreventionGenetics, part of Exact Sciences
Classification: Likely benign for PKD1L1-related condition. Last evaluated: 2023-10-11. Review status: no assertion criteria provided. Collection method: clinical testing. Allele origin: germline. Not counted in ClinVar's aggregate classification.
Comment: This variant is classified as likely benign based on ACMG/AMP sequence variant interpretation guidelines (Richards et al. 2015 PMID: 25741868, with internal and published modifications).

NM_138295.5(PKD1L1):c.6854+10G>A

Gene: PKD1L1 (polycystin 1 like 1, transient receptor potential channel interacting; minus strand). Cytogenetic location: 7p12.3.
Variant type: single nucleotide variant.
Coding change: c.6854+10G>A on transcript NM_138295.5 (MANE Select); 10 bases into the intron after coding-DNA position 6854, G replaced by A.
Molecular consequence: intron variant.
Genome position (GRCh38, 1-based): chr7:47,827,340, C>T on the plus strand (G>A on the coding strand, the complement: PKD1L1 is on the minus strand). VCF-style: chr7-47827340-C-T. GRCh37 (hg19) VCF-style: chr7-47866938-C-T.
Other names: c.6854+10G>A (NM_138295.3).
Identifiers: ClinVar variation 2893750 (VCV002893750.6), dbSNP rs369644063, ClinGen allele CA4252311.